The following is an entry in ClinVar:

NM_000095.3(COMP):c.1569C>G (p.Asn523Lys)

Gene: COMP (cartilage oligomeric matrix protein; minus strand). Cytogenetic location: 19p13.11.
Variant type: single nucleotide variant.
Coding change: c.1569C>G on transcript NM_000095.3 (MANE Select); coding-DNA position 1569, C replaced by G.
Protein change: p.Asn523Lys; replaces asparagine 523 with lysine.
Molecular consequence: missense variant.
Genome position (GRCh38, 1-based): chr19:18,785,772, G>C on the plus strand (C>G on the coding strand, the complement: COMP is on the minus strand). VCF-style: chr19-18785772-G-C. GRCh37 (hg19) VCF-style: chr19-18896582-G-C.
Other names: short protein forms N523K.
Identifiers: ClinVar variation 9189 (VCV000009189.11), dbSNP rs137852654, ClinGen allele CA120167.

ClinVar aggregate classification (germline): Pathogenic/Likely pathogenic. Review status: criteria provided, multiple submitters, no conflicts (2 of 4 stars). 4 submissions from 4 submitters: Pathogenic (1); Likely pathogenic (1). 2 of the submissions do not count toward it. Last evaluated 2024-12-31.

Conditions:
Multiple epiphyseal dysplasia. Also called: Multiple epiphyseal dysplasia (disease). Identifiers: Orphanet 251, MedGen C0026760, MONDO:0016648, HP:0002654.
Multiple epiphyseal dysplasia type 1. Also called: COMP-Related Multiple Epiphyseal Dysplasia. Identifiers: Orphanet 93308, MedGen C1838280, MONDO:0007561, OMIM 132400.

Submissions (4):

Labcorp Genetics (formerly Invitae), Labcorp
Classification: Pathogenic. Last evaluated: 2024-12-31. Review status: criteria provided, single submitter. Criteria: Invitae Variant Classification Sherloc (09022015). Collection method: clinical testing. Allele origin: germline.
Comment: This sequence change replaces asparagine, which is neutral and polar, with lysine, which is basic and polar, at codon 523 of the COMP protein (p.Asn523Lys). This variant is not present in population databases (gnomAD no frequency). This missense change has been observed in individuals with epiphyseal dysplasia (PMID: 9021009, 34645491; internal data). It has also been observed to segregate with disease in related individuals. ClinVar contains an entry for this variant (Variation ID: 9189). Invitae Evidence Modeling of protein sequence and biophysical properties (such as structural, functional, and spatial information, amino acid conservation, physicochemical variation, residue mobility, and thermodynamic stability) has been performed for this missense variant. However, the output from this modeling did not meet the statistical confidence thresholds required to predict the impact of this variant on COMP protein function. For these reasons, this variant has been classified as Pathogenic.

Rady Children's Institute for Genomic Medicine, Rady Children's Hospital San Diego
Classification: Likely pathogenic for EPIPHYSEAL DYSPLASIA, MULTIPLE, 1. Last evaluated: 2018-08-01. Review status: criteria provided, single submitter. Criteria: ACMG Guidelines, 2015. Collection method: clinical testing. Allele origin: germline. Affected: yes. Observed: 1 variant allele.
Comment: This variant has been previously reported as a disease causing heterozygous change in multiple affected individuals with multiple epiphyseal dysplasia (PMID: 9021009, 24595329). It is absent from the ExAC and gnomAD population databases and thus is presumed to be rare. The c.1569C>G (p.Asn523Lys) variant affects a highly conserved amino acid and is predicted by multiple in silico tools to have a deleterious effect on protein function. Based on the available evidence, the c.1569C>G (p.Asn523Lys) variant is classified as likely pathogenic.

OMIM
Classification: Pathogenic for EPIPHYSEAL DYSPLASIA, MULTIPLE, 1, MILD. Last evaluated: 1997-02-11. Review status: no assertion criteria provided. Collection method: literature only. Allele origin: germline. Not counted in ClinVar's aggregate classification.

GeneReviews
No classification provided. Condition: Multiple epiphyseal dysplasia. Review status: no classification provided. Collection method: literature only. Allele origin: germline. Not counted in ClinVar's aggregate classification.

Literature cited by the submitters: PubMed 9021009 (cited by Labcorp Genetics (formerly Invitae), Labcorp and OMIM); PubMed 34645491 (cited by Labcorp Genetics (formerly Invitae), Labcorp); NCBI Bookshelf NBK1123 (cited by GeneReviews).